The following is an entry in ClinVar:

NM_022124.6(CDH23):c.4359+11G>T

Gene: CDH23 (cadherin related 23; plus strand). Cytogenetic location: 10q22.1.
Variant type: single nucleotide variant.
Coding change: c.4359+11G>T on transcript NM_022124.6 (MANE Select); 11 bases into the intron after coding-DNA position 4359, G replaced by T.
Molecular consequence: intron variant.
Genome position (GRCh38, 1-based): chr10:71,738,658, G>T. VCF-style: chr10-71738658-G-T. GRCh37 (hg19) VCF-style: chr10-73498415-G-T.
Identifiers: ClinVar variation 45946 (VCV000045946.7), dbSNP rs12242607, ClinGen allele CA137428.

ClinVar aggregate classification (germline): Likely benign. Review status: criteria provided, multiple submitters, no conflicts (2 of 4 stars). 2 submissions from 2 submitters: Likely benign (2). Last evaluated 2023-07-10.

gnomAD v4.1: 2 of 1,611,416 alleles (0.00012%); highest among the groups gnomAD compares: African/African-American, 0.0013%; no homozygotes.

Submissions (2):

Labcorp Genetics (formerly Invitae), Labcorp
Classification: Likely benign. Last evaluated: 2023-07-10. Review status: criteria provided, single submitter. Criteria: Invitae Variant Classification Sherloc (09022015). Collection method: clinical testing. Allele origin: germline.

Laboratory for Molecular Medicine, Mass General Brigham Personalized Medicine
Classification: Likely benign. Last evaluated: 2013-02-07. Review status: criteria provided, single submitter. Criteria: LMM Criteria. Collection method: clinical testing. Allele origin: germline. Observed: 1 variant allele.
Comment: 4359+11G>T in intron 35 of CDH23: This variant is not expected to have clinical significance because it is not located within the splice consensus sequence.